The following is an entry in ClinVar:

NM_004415.4(DSP):c.4352T>C (p.Leu1451Pro)

Gene: DSP (desmoplakin; plus strand). Cytogenetic location: 6p24.3.
Variant type: single nucleotide variant.
Coding change: c.4352T>C on transcript NM_004415.4 (MANE Select); coding-DNA position 4352, T replaced by C.
Protein change: p.Leu1451Pro; replaces leucine 1451 with proline.
Molecular consequence: missense variant. On other transcripts: intron variant (2).
Genome position (GRCh38, 1-based): chr6:7,580,542, T>C. VCF-style: chr6-7580542-T-C. GRCh37 (hg19) VCF-style: chr6-7580775-T-C.
Other names: c.4352T>C (LRG_423t1); c.4050+302T>C (NM_001319034.2); c.3582+770T>C (NM_001008844.3); short protein forms L1451P.
Identifiers: ClinVar variation 519346 (VCV000519346.19), dbSNP rs1554108296, ClinGen allele CA362686120.

ClinVar aggregate classification (germline): Uncertain significance. Review status: criteria provided, multiple submitters, no conflicts (2 of 4 stars). 5 submissions from 5 submitters: Uncertain significance (5). Last evaluated 2025-08-20.

Conditions:
Cardiomyopathy (CMYO). Also called: Cardiomyopathies. Identifiers: Orphanet 167848, MedGen C0878544, MONDO:0004994, HP:0001638. Inheritance: Various modes of inheritance.
Cardiovascular phenotype. Identifiers: MedGen CN230736.
Arrhythmogenic cardiomyopathy with wooly hair and keratoderma. Also called: PALMOPLANTAR KERATODERMA WITH LEFT VENTRICULAR CARDIOMYOPATHY AND WOOLLY HAIR; Arrhythmogenic cardiomyopathy with woolly hair and keratoderma; Dilated cardiomyopathy with woolly hair and keratoderma; Carvajal syndrome. Identifiers: Orphanet 65282, MedGen C1854063, MONDO:0011581, OMIM 605676.
Arrhythmogenic right ventricular dysplasia 8 (ARVD8). Also called: ARRHYTHMOGENIC RIGHT VENTRICULAR CARDIOMYOPATHY 8; ARRHYTHMOGENIC RIGHT VENTRICULAR DYSPLASIA, FAMILIAL, 8; Arrhythmogenic Right Ventricular Dysplasia/Cardiomyopathy 8. Identifiers: MedGen C1843896, MONDO:0011831, OMIM 607450.
Sudden unexplained death. Identifiers: MedGen C0520806.

Allele frequency attached by ClinVar (database versions not stated): gnomAD exomes below 0.00001.
gnomAD v4.1: 1 of 1,614,078 alleles (0.000062%); highest among the groups gnomAD compares: Non-Finnish European, 0.000085%; no homozygotes.

Submissions (5):

Color Diagnostics, LLC DBA Color Health
Classification: Uncertain significance for Cardiomyopathy. Last evaluated: 2025-08-20. Review status: criteria provided, single submitter. Criteria: ACMG Guidelines, 2015. Collection method: clinical testing. Allele origin: germline.
Comment: This missense variant replaces leucine with proline at codon 1451 of the DSP protein. Computational prediction suggests that this variant may have deleterious impact on protein structure and function. To our knowledge, functional studies have not been reported for this variant. This variant has been reported in an individual affected with sudden cardiac death (PMID: 27332903). This variant has not been identified in the general population by the Genome Aggregation Database (gnomAD). The available evidence is insufficient to determine the role of this variant in disease conclusively. Therefore, this variant is classified as a Variant of Uncertain Significance.

Ambry Genetics
Classification: Uncertain significance for Cardiovascular phenotype. Last evaluated: 2025-08-19. Review status: criteria provided, single submitter. Criteria: Ambry Variant Classification Scheme 2023. Collection method: clinical testing. Allele origin: germline.
Comment: The p.L1451P variant (also known as c.4352T>C), located in coding exon 23 of the DSP gene, results from a T to C substitution at nucleotide position 4352. The leucine at codon 1451 is replaced by proline, an amino acid with similar properties. This alteration has been reported in a sudden unexplained death cohort and a cardiomyopathy genetic testing cohort; however, clinical details were limited in both cases (Bagnall RD et al. N Engl J Med, 2016 Jun;374:2441-52; van Lint FHM et al. Neth Heart J, 2019 Jun;27:304-309). This amino acid position is well conserved in available vertebrate species. In addition, this alteration is predicted to be deleterious by in silico analysis. Since supporting evidence is limited at this time, the clinical significance of this alteration remains unclear.

Labcorp Genetics (formerly Invitae), Labcorp
Classification: Uncertain significance for Arrhythmogenic cardiomyopathy with wooly hair and keratoderma; Arrhythmogenic right ventricular dysplasia 8. Last evaluated: 2025-08-11. Review status: criteria provided, single submitter. Criteria: Invitae Variant Classification Sherloc (09022015). Collection method: clinical testing. Allele origin: germline.
Comment: This sequence change replaces leucine, which is neutral and non-polar, with proline, which is neutral and non-polar, at codon 1451 of the DSP protein (p.Leu1451Pro). This variant is not present in population databases (gnomAD no frequency). This missense change has been observed in individual(s) with sudden cardiac death and/or dilated cardiomyopathy (PMID: 27332903, 30847666). ClinVar contains an entry for this variant (Variation ID: 519346). An algorithm developed to predict the effect of missense changes on protein structure and function (PolyPhen-2) suggests that this variant is likely to be disruptive. In summary, the available evidence is currently insufficient to determine the role of this variant in disease. Therefore, it has been classified as a Variant of Uncertain Significance.

Agnes Ginges Centre for Molecular Cardiology, Centenary Institute
Classification: Uncertain significance for Sudden unexplained death. Last evaluated: 2017-05-03. Review status: criteria provided, single submitter. Criteria: ACMG Guidelines, 2015. Collection method: research. Allele origin: germline. Affected: yes.
Comment: The DSP Leu1451Pro was identified in a sudden death case, with no previous diagnosis and no definitive cause found on post mortem (Bagnall RD, et al., 2016). The variant is absent from the 1000 genomes project, as well as the Exome Aggregation Consortium dataset. Computational tools SIFT, PolyPhen-2 and MutationTaster predict this variant to be deleterious. Based on the limited information available and rarity in the general population, we classify DSP Leu1451Pro as a variant of "uncertain significance".

Human Genome Sequencing Center Clinical Lab, Baylor College of Medicine
Classification: Uncertain significance for Arrhythmogenic right ventricular dysplasia, type 8. Review status: criteria provided, single submitter. Criteria: ACMG Guidelines, 2015. Collection method: clinical testing. Allele origin: germline.

Literature cited by the submitters: PubMed 27332903 (cited by 4 submitters); PubMed 30847666 (cited by Ambry Genetics and Labcorp Genetics (formerly Invitae), Labcorp).